The following is an entry in ClinVar:

ClinVar aggregate classification (germline): Uncertain significance (1 of 4 stars; one submission).

Conditions:
Cystic fibrosis (CF). Also called: MUCOVISCIDOSIS. Identifiers: Orphanet 586, MedGen C0010674, MONDO:0009061, OMIM 219700. Disease mechanism: loss of function.

Allele frequency attached by ClinVar (database versions not stated): 1000 Genomes Project 0.00080; TOPMed 0.00077; 1000 Genomes Project 30x 0.00078; gnomAD 0.00067.
gnomAD v4.1: 102 of 152,212 alleles (0.067%); highest among the groups gnomAD compares: African/African-American, 0.23%; no homozygotes.

Submission:

Johns Hopkins Genomics, Johns Hopkins University
Classification: Uncertain significance for Cystic fibrosis. Last evaluated: 2023-10-13. Review status: criteria provided, single submitter. Criteria: ACMG Guidelines, 2015. Collection method: clinical testing. Allele origin: germline.
Comment: This CFTR intronic variant (rs145271116) is rare (<0.1%) in a large population dataset (gnomADv3.1.2: 100/152094 total alleles; 0.07%; no homozygotes) and has not been reported in ClinVar nor the literature, to our knowledge. Bioinformatic analysis predicts that this intronic variant may create a cryptic donor splice site, although this has not been confirmed experimentally to our knowledge. We consider the clinical significance of CFTR c.3717+6029A>G to be uncertain at this time.

NM_000492.4(CFTR):c.3717+6029A>G

Genes: CFTR (CF transmembrane conductance regulator; plus strand), CFTR-AS2 (CFTR antisense RNA 2; minus strand). Cytogenetic location: 7q31.2.
Variant type: single nucleotide variant.
Coding change: c.3717+6029A>G on transcript NM_000492.4 (MANE Select); 6029 bases into the intron after coding-DNA position 3717, A replaced by G.
Molecular consequence: intron variant.
Genome position (GRCh38, 1-based): chr7:117,633,799, A>G. VCF-style: chr7-117633799-A-G. GRCh37 (hg19) VCF-style: chr7-117273853-A-G.
Identifiers: ClinVar variation 2690906 (VCV002690906.1), dbSNP rs145271116, ClinGen allele CA164979411.